The following is an entry in ClinVar:

ClinVar aggregate classification (germline): Uncertain significance (1 of 4 stars; one submission).

Conditions:
Tuberous sclerosis 2 (TSC2). Identifiers: Orphanet 805, MedGen C1860707, MONDO:0013199, OMIM 613254.

Submission:

Labcorp Genetics (formerly Invitae), Labcorp
Classification: Uncertain significance for Tuberous sclerosis 2. Last evaluated: 2023-10-10. Review status: criteria provided, single submitter. Criteria: Invitae Variant Classification Sherloc (09022015). Collection method: clinical testing. Allele origin: germline.
Comment: This sequence change replaces proline, which is neutral and non-polar, with histidine, which is basic and polar, at codon 669 of the TSC2 protein (p.Pro669His). This variant is not present in population databases (gnomAD no frequency). This variant has not been reported in the literature in individuals affected with TSC2-related conditions. Advanced modeling of protein sequence and biophysical properties (such as structural, functional, and spatial information, amino acid conservation, physicochemical variation, residue mobility, and thermodynamic stability) performed at Invitae indicates that this missense variant is not expected to disrupt TSC2 protein function. In summary, the available evidence is currently insufficient to determine the role of this variant in disease. Therefore, it has been classified as a Variant of Uncertain Significance.

NM_000548.5(TSC2):c.2006C>A (p.Pro669His)

Gene: TSC2 (TSC complex subunit 2; plus strand). Cytogenetic location: 16p13.3.
Variant type: single nucleotide variant.
Coding change: c.2006C>A on transcript NM_000548.5 (MANE Select); coding-DNA position 2006, C replaced by A.
Protein change: p.Pro669His; replaces proline 669 with histidine.
Molecular consequence: missense variant. On other transcripts: non-coding transcript variant (5).
Genome position (GRCh38, 1-based): chr16:2,071,843, C>A. VCF-style: chr16-2071843-C-A. GRCh37 (hg19) VCF-style: chr16-2121844-C-A.
Other names: c.2006C>A, p.Pro669His (NM_001077183.3, NM_001114382.3, NM_001363528.2 and 6 more transcripts); c.1895C>A, p.Pro632His (NM_001318827.2, NM_001406678.1, NM_001406670.1); c.1859C>A, p.Pro620His (NM_001318829.2, NM_001406679.1, NM_001406675.1 and 1 more transcripts); c.1406C>A, p.Pro469His (NM_001318831.2, NM_001406680.1, NM_001406687.1 and 6 more transcripts); c.2039C>A, p.Pro680His (NM_001318832.2); c.1544C>A, p.Pro515His (NM_001406681.1); c.2096C>A, p.Pro699His (NM_001406667.1, NM_001406668.1); c.1994C>A, p.Pro665His (NM_001406671.1, NM_001406673.1); and 3 more; short protein forms P221H, P515H, P620H, P632H, P669H, P135H, P665H, P469H.
Identifiers: ClinVar variation 2767368 (VCV002767368.3), dbSNP rs794727221, ClinGen allele CA394274456.